The following is an entry in ClinVar:

ClinVar aggregate classification (germline): Pathogenic (1 of 4 stars; one submission).

Submission:

GeneDx
Classification: Pathogenic. Last evaluated: 2020-04-27. Review status: criteria provided, single submitter. Criteria: GeneDx Variant Classification Process June 2021. Collection method: clinical testing. Allele origin: germline. Affected: yes.
Comment: Nonsense variant predicted to result in protein truncation with partial loss of the helix termination motif and complete loss of the keratin-5 (K5) tail, or nonsense mediated decay in a gene for which loss-of-function is a known mechanism of disease; Not observed in large population cohorts (Lek et al., 2016); Albeit rare, other nonsense variants in the 2B region of K5 have been reported in association with EBS Dowling-Meara (Y470X; K472X; E477X; C479X); This variant is associated with the following publications: (PMID: 30011071)

NM_000424.4(KRT5):c.1438A>T (p.Arg480Ter)

Genes: KRT5 (keratin 5; minus strand), LOC126861525 (BRD4-independent group 4 enhancer GRCh37_chr12:52909857-52911056; plus strand). Cytogenetic location: 12q13.13.
Variant type: single nucleotide variant.
Coding change: c.1438A>T on transcript NM_000424.4 (MANE Select); coding-DNA position 1438, A replaced by T.
Protein change: p.Arg480Ter; replaces arginine 480 with a stop codon.
Molecular consequence: nonsense.
Genome position (GRCh38, 1-based): chr12:52,516,638, T>A on the plus strand (A>T on the coding strand, the complement: KRT5 is on the minus strand). VCF-style: chr12-52516638-T-A. GRCh37 (hg19) VCF-style: chr12-52910422-T-A.
Other names: short protein forms R480*.
Identifiers: ClinVar variation 1194325 (VCV001194325.2), dbSNP rs267607446, ClinGen allele CA384923354.